The following is an entry in ClinVar:

NM_017999.5(RNF31):c.1202G>A (p.Gly401Glu)

Gene: RNF31 (ring finger protein 31; plus strand). Cytogenetic location: 14q12.
Variant type: single nucleotide variant.
Coding change: c.1202G>A on transcript NM_017999.5 (MANE Select); coding-DNA position 1202, G replaced by A.
Protein change: p.Gly401Glu; replaces glycine 401 with glutamic acid.
Molecular consequence: missense variant.
Genome position (GRCh38, 1-based): chr14:24,150,602, G>A. VCF-style: chr14-24150602-G-A. GRCh37 (hg19) VCF-style: chr14-24619811-G-A.
Other names: c.749G>A, p.Gly250Glu (NM_001310332.2); short protein forms G250E, G401E.
Identifiers: ClinVar variation 1936087 (VCV001936087.5), dbSNP rs1397008475, ClinGen allele CA389292559.

ClinVar aggregate classification (germline): Uncertain significance (1 of 4 stars; one submission).

Allele frequency attached by ClinVar (database versions not stated): gnomAD 0.00001.

Submission:

Labcorp Genetics (formerly Invitae), Labcorp
Classification: Uncertain significance. Last evaluated: 2024-11-23. Review status: criteria provided, single submitter. Criteria: Invitae Variant Classification Sherloc (09022015). Collection method: clinical testing. Allele origin: germline.
Comment: This sequence change replaces glycine, which is neutral and non-polar, with glutamic acid, which is acidic and polar, at codon 401 of the RNF31 protein (p.Gly401Glu). This variant is present in population databases (no rsID available, gnomAD 0.0009%). This variant has not been reported in the literature in individuals affected with RNF31-related conditions. ClinVar contains an entry for this variant (Variation ID: 1936087). An algorithm developed to predict the effect of missense changes on protein structure and function outputs the following: PolyPhen-2: "Benign". The glutamic acid amino acid residue is found in multiple mammalian species, which suggests that this missense change does not adversely affect protein function. In summary, the available evidence is currently insufficient to determine the role of this variant in disease. Therefore, it has been classified as a Variant of Uncertain Significance.